The following is an entry in ClinVar:

ClinVar aggregate classification (germline): Uncertain significance (1 of 4 stars; one submission).

Allele frequency attached by ClinVar (database versions not stated): gnomAD 0.00001; gnomAD exomes 0.00001; TOPMed 0.00002.
gnomAD v4.1: 4 of 1,613,424 alleles (0.00025%); highest among the groups gnomAD compares: Admixed American, 0.0067%; no homozygotes.

Submission:

Labcorp Genetics (formerly Invitae), Labcorp
Classification: Uncertain significance. Last evaluated: 2025-06-24. Review status: criteria provided, single submitter. Criteria: Invitae Variant Classification Sherloc (09022015). Collection method: clinical testing. Allele origin: germline.
Comment: This sequence change replaces glutamine, which is neutral and polar, with histidine, which is basic and polar, at codon 11 of the FLAD1 protein (p.Gln11His). This variant is present in population databases (no rsID available, gnomAD 0.009%). This variant has not been reported in the literature in individuals affected with FLAD1-related conditions. ClinVar contains an entry for this variant (Variation ID: 1905322). Experimental studies and prediction algorithms are not available or were not evaluated, and the functional significance of this variant is currently unknown. In summary, the available evidence is currently insufficient to determine the role of this variant in disease. Therefore, it has been classified as a Variant of Uncertain Significance.

NM_025207.5(FLAD1):c.33G>C (p.Gln11His)

Gene: FLAD1 (flavin adenine dinucleotide synthetase 1; plus strand). Cytogenetic location: 1q21.3.
Variant type: single nucleotide variant.
Coding change: c.33G>C on transcript NM_025207.5 (MANE Select); coding-DNA position 33, G replaced by C.
Protein change: p.Gln11His; replaces glutamine 11 with histidine.
Molecular consequence: missense variant. On other transcripts: intron variant (3).
Genome position (GRCh38, 1-based): chr1:154,983,727, G>C. VCF-style: chr1-154983727-G-C. GRCh37 (hg19) VCF-style: chr1-154956203-G-C.
Other names: c.-144-115G>C (NM_001184891.2, NM_201398.3); c.-789-115G>C (NM_001184892.2); short protein forms Q11H.
Identifiers: ClinVar variation 1905322 (VCV001905322.3), dbSNP rs923253012, ClinGen allele CA30901498.